The following is an entry in ClinVar:

ClinVar aggregate classification (germline): Pathogenic (1 of 4 stars; one submission).

Conditions:
Familial adenomatous polyposis 1 (FAP1). Also called: FAMILIAL ADENOMATOUS POLYPOSIS 1, ATTENUATED; POLYPOSIS, ADENOMATOUS INTESTINAL. Identifiers: MedGen C2713442, MONDO:0021056, OMIM 175100. Disease mechanism: loss of function.

Submission:

Labcorp Genetics (formerly Invitae), Labcorp
Classification: Pathogenic for Familial adenomatous polyposis 1. Last evaluated: 2021-11-10. Review status: criteria provided, single submitter. Criteria: Invitae Variant Classification Sherloc (09022015). Collection method: clinical testing. Allele origin: germline.
Comment: This variant is a gross deletion of the genomic region encompassing exon(s) 1-9 of the APC gene, which includes the initiator codon. This deletion extends beyond the assayed region for this gene and therefore may encompass additional genes. It is expected to result in an absent or disrupted protein product. Loss-of-function variants in APC are known to be pathogenic (PMID: 17963004, 20685668). A similar copy number variant has been observed in individual(s) with familial adenomatous polyposis (PMID: 23159591). For these reasons, this variant has been classified as Pathogenic.

Literature cited by the submitters: PubMed 17963004; PubMed 20685668; PubMed 23159591.

NC_000005.9:g.(?_112043009)_(112151300_?)del

Gene: APC (APC regulator of Wnt signaling pathway; plus strand). Cytogenetic location: 5q22.2.
Variant type: Deletion.
Identifiers: ClinVar variation 2422183 (VCV002422183.3).